The following is an entry in ClinVar:

ClinVar aggregate classification (germline): Uncertain significance (1 of 4 stars; one submission).

Allele frequency attached by ClinVar (database versions not stated): gnomAD exomes below 0.00001.
gnomAD v4.1: 2 of 1,614,052 alleles (0.00012%); highest among the groups gnomAD compares: East Asian, 0.0022%; no homozygotes.

Submission:

Labcorp Genetics (formerly Invitae), Labcorp
Classification: Uncertain significance. Last evaluated: 2023-02-24. Review status: criteria provided, single submitter. Criteria: Invitae Variant Classification Sherloc (09022015). Collection method: clinical testing. Allele origin: germline.
Comment: In summary, the available evidence is currently insufficient to determine the role of this variant in disease. Therefore, it has been classified as a Variant of Uncertain Significance. This variant has not been reported in the literature in individuals affected with SCN3A-related conditions. This variant is not present in population databases (gnomAD no frequency). This sequence change creates a premature translational stop signal (p.Arg1630*) in the SCN3A gene. While this is not anticipated to result in nonsense mediated decay, it is expected to disrupt the last 371 amino acid(s) of the SCN3A protein.

NM_006922.4(SCN3A):c.4888C>T (p.Arg1630Ter)

Gene: SCN3A (sodium voltage-gated channel alpha subunit 3; minus strand). Cytogenetic location: 2q24.3.
Variant type: single nucleotide variant.
Coding change: c.4888C>T on transcript NM_006922.4 (MANE Select); coding-DNA position 4888, C replaced by T.
Protein change: p.Arg1630Ter; replaces arginine 1630 with a stop codon.
Molecular consequence: nonsense.
Genome position (GRCh38, 1-based): chr2:165,091,265, G>A on the plus strand (C>T on the coding strand, the complement: SCN3A is on the minus strand). VCF-style: chr2-165091265-G-A. GRCh37 (hg19) VCF-style: chr2-165947775-G-A.
Other names: c.4741C>T, p.Arg1581Ter (NM_001081676.2, NM_001081677.2); short protein forms R1630*, R1581*.
Identifiers: ClinVar variation 2788244 (VCV002788244.3), dbSNP rs2468042110, ClinGen allele CA349018169.